The following is an entry in ClinVar:

ClinVar aggregate classification (germline): Conflicting classifications of pathogenicity. Review status: criteria provided, conflicting classifications (1 of 4 stars). 4 submissions from 4 submitters: Uncertain significance (3); Likely benign (1). Last evaluated 2025-10-06.

Conditions:
Hereditary cancer-predisposing syndrome. Also called: Hereditary neoplastic syndrome; Neoplastic Syndromes, Hereditary; Hereditary Cancer Syndrome; Tumor predisposition. Identifiers: Orphanet 140162, MedGen C0027672, MeSH D009386, MONDO:0015356.
Breast-ovarian cancer, familial, susceptibility to, 4. Identifiers: Orphanet 145, MedGen C3280345, MONDO:0013669, OMIM 614291.

Allele frequency attached by ClinVar (database versions not stated): TOPMed 0.00001.

Submissions (4):

Color Diagnostics, LLC DBA Color Health
Classification: Likely benign for Hereditary cancer-predisposing syndrome. Last evaluated: 2025-10-06. Review status: criteria provided, single submitter. Criteria: ACMG Guidelines, 2015. Collection method: clinical testing. Allele origin: germline.

Ambry Genetics
Classification: Uncertain significance for Hereditary cancer-predisposing syndrome. Last evaluated: 2024-06-06. Review status: criteria provided, single submitter. Criteria: Ambry Variant Classification Scheme 2023. Collection method: clinical testing. Allele origin: germline.
Comment: The p.A122T variant (also known as c.364G>A), located in coding exon 5 of the RAD51D gene, results from a G to A substitution at nucleotide position 364. The alanine at codon 122 is replaced by threonine, an amino acid with similar properties. This amino acid position is conserved. In addition, the in silico prediction for this alteration is inconclusive. Since supporting evidence is limited at this time, the clinical significance of this alteration remains unclear.

Labcorp Genetics (formerly Invitae), Labcorp
Classification: Uncertain significance for Breast-ovarian cancer, familial, susceptibility to, 4. Last evaluated: 2024-04-25. Review status: criteria provided, single submitter. Criteria: Invitae Variant Classification Sherloc (09022015). Collection method: clinical testing. Allele origin: germline.
Comment: This sequence change replaces alanine, which is neutral and non-polar, with threonine, which is neutral and polar, at codon 122 of the RAD51D protein (p.Ala122Thr). This variant is not present in population databases (gnomAD no frequency). This variant has not been reported in the literature in individuals affected with RAD51D-related conditions. ClinVar contains an entry for this variant (Variation ID: 1489023). Advanced modeling of protein sequence and biophysical properties (such as structural, functional, and spatial information, amino acid conservation, physicochemical variation, residue mobility, and thermodynamic stability) performed at Invitae indicates that this missense variant is not expected to disrupt RAD51D protein function with a negative predictive value of 80%. In summary, the available evidence is currently insufficient to determine the role of this variant in disease. Therefore, it has been classified as a Variant of Uncertain Significance.

GeneDx
Classification: Uncertain significance. Last evaluated: 2023-05-10. Review status: criteria provided, single submitter. Criteria: GeneDx Variant Classification Process June 2021. Collection method: clinical testing. Allele origin: germline. Affected: yes.
Comment: Not observed at significant frequency in large population cohorts (gnomAD); In silico analysis supports that this missense variant does not alter protein structure/function; Has not been previously published as pathogenic or benign to our knowledge; This variant is associated with the following publications: (PMID: 21111057, 14704354, 19327148)

NM_002878.4(RAD51D):c.364G>A (p.Ala122Thr)

Genes: RAD51L3-RFFL (RAD51L3-RFFL readthrough; minus strand), RAD51D (RAD51 paralog D; minus strand). Cytogenetic location: 17q12.
Variant type: single nucleotide variant.
Coding change: c.364G>A on transcript NM_002878.4 (MANE Select); coding-DNA position 364, G replaced by A.
Protein change: p.Ala122Thr; replaces alanine 122 with threonine.
Molecular consequence: missense variant. On other transcripts: non-coding transcript variant (1), intron variant (1).
Genome position (GRCh38, 1-based): chr17:35,107,104, C>T on the plus strand (G>A on the coding strand, the complement: RAD51D is on the minus strand). VCF-style: chr17-35107104-C-T. GRCh37 (hg19) VCF-style: chr17-33434123-C-T.
Other names: c.424G>A, p.Ala142Thr (NM_001142571.2); c.145-623G>A (NM_133629.3); short protein forms A122T, A142T.
Identifiers: ClinVar variation 1489023 (VCV001489023.12), dbSNP rs2091615360, ClinGen allele CA399089373.